The following is an entry in ClinVar:

ClinVar aggregate classification (germline): Uncertain significance (1 of 4 stars; one submission).

Conditions:
Optic atrophy 3 (OPA3). Also called: OPTIC ATROPHY 3, AUTOSOMAL DOMINANT; Optic atrophy, cataract, and neurologic disorder; Optic atrophy 3 with cataract. Identifiers: Orphanet 67036, MedGen C1833809, MONDO:0008133, OMIM 165300.
3-Methylglutaconic aciduria type 3 (MGCA3). Also called: OPA3, AUTOSOMAL RECESSIVE; OPTIC ATROPHY 3, AUTOSOMAL RECESSIVE; Costeff Syndrome; OPA3-Related 3-Methylglutaconic Aciduria. Identifiers: Orphanet 67047, MedGen C0574084, MONDO:0009787, OMIM 258501.

Submission:

Juno Genomics, Hangzhou Juno Genomics, Inc
Classification: Uncertain significance for 3-Methylglutaconic aciduria type 3; Optic atrophy 3. Review status: criteria provided, single submitter. Criteria: ACMG Guidelines, 2015. Collection method: clinical testing. Allele origin: germline. Affected: yes.
Comment: Absent from controls (or at extremely low frequency if recessive) in Genome Aggregation Database, Exome Sequencing Project, 1000 Genomes Project, or Exome Aggregation Consortium.;Multiple lines of computational evidence support a deleterious effect on the gene or gene product (conservation, evolutionary, splicing impact, etc).;Assumed de novo, but without confirmation of paternity and maternity.;Patient's phenotype or family history is highly specific for a disease with a single genetic etiology.

NM_025136.4(OPA3):c.11G>A (p.Gly4Asp)

Genes: OPA3 (outer mitochondrial membrane lipid metabolism regulator OPA3; minus strand), OPA3-RTN2 (OPA3-RTN2 readthrough; minus strand), LOC130064709 (ATAC-STARR-seq lymphoblastoid active region 14802; plus strand). Cytogenetic location: 19q13.32.
Variant type: single nucleotide variant.
Coding change: c.11G>A on transcript NM_025136.4 (MANE Select); coding-DNA position 11, G replaced by A.
Protein change: p.Gly4Asp; replaces glycine 4 with aspartic acid.
Molecular consequence: missense variant.
Genome position (GRCh38, 1-based): chr19:45,584,754, C>T on the plus strand (G>A on the coding strand, the complement: OPA3 is on the minus strand). VCF-style: chr19-45584754-C-T. GRCh37 (hg19) VCF-style: chr19-46088012-C-T.
Other names: c.11G>A, p.Gly4Asp (NM_001017989.3); short protein forms G4D.
Identifiers: ClinVar variation 3382114 (VCV003382114.2).
Genomic context (GRCh38, chr19:45,584,754, plus strand): 5'-GCAAGCGGCTTGCTGACCTGCCGGATGCCCAAGTATAGCAGCTTCGCCATAGGGAACGCG[C>T]CCACCACCATCTTGGCGGTCTCACAGGGCACGCGCAACCTTGCTGACTGGGCGGGGCGCC-3'
Protein context (NP_079412.1, residues 1-14): MVV[Gly4Asp]AFPMAKLLYL